The following is an entry in ClinVar:

NM_033400.3(ZFHX2):c.7052C>T (p.Pro2351Leu)

Genes: THTPA (thiamine triphosphatase; plus strand), ZFHX2 (zinc finger homeobox 2; minus strand). Cytogenetic location: 14q11.2.
Variant type: single nucleotide variant.
Coding change: c.7052C>T on transcript NM_033400.3 (MANE Select); coding-DNA position 7052, C replaced by T.
Protein change: p.Pro2351Leu; replaces proline 2351 with leucine.
Molecular consequence: missense variant.
Genome position (GRCh38, 1-based): chr14:23,522,629, G>A on the plus strand (C>T on the coding strand, the complement: ZFHX2 is on the minus strand). VCF-style: chr14-23522629-G-A. GRCh37 (hg19) VCF-style: chr14-23991838-G-A.
Other names: short protein forms P2351L.
Identifiers: ClinVar variation 4823074 (VCV004823074.4).
Genomic context (GRCh38, chr14:23,522,629, plus strand): 5'-AAGTAGGCCCCCTGTAGCTGGGGGCCAAAGACAGCTGGCGGTGCTGTTCCCCCAGCAGGG[G>A]GCAATGGAAAGGGCAGGAACTGGCCCCCCAACAGGGCTGGGACAGTGGTCTTCAATGCTT-3'
Protein context (NP_207646.2, residues 2341-2361): LGGQFLPFPL[Pro2351Leu]PAGGTAPPAV

ClinVar aggregate classification (germline): Uncertain significance (1 of 4 stars; one submission).

Submission:

CeGaT Center for Human Genetics Tuebingen
Classification: Uncertain significance. Last evaluated: 2026-01-01. Review status: criteria provided, single submitter. Criteria: CeGaT Center For Human Genetics Tuebingen Variant Classification Criteria Version 2. Collection method: clinical testing. Allele origin: germline. Affected: yes. Observed: 1 variant allele.
Comment: ZFHX2: PM2